The following is an entry in ClinVar:

ClinVar aggregate classification (germline): Conflicting classifications of pathogenicity. Review status: criteria provided, conflicting classifications (1 of 4 stars). 2 submissions from 2 submitters: Likely pathogenic (1); Uncertain significance (1). Last evaluated 2023-05-23.

Conditions:
Polycystic kidney disease 4 (PKD4). Also called: Autosomal Recessive Polycystic Kidney Disease – PKHD1; PKD3; POLYCYSTIC KIDNEY AND HEPATIC DISEASE 1; POLYCYSTIC KIDNEY DISEASE, INFANTILE, TYPE I; POLYCYSTIC KIDNEY DISEASE 4 WITH OR WITHOUT POLYCYSTIC LIVER DISEASE. Identifiers: MedGen C4540575, MONDO:0033004, OMIM 263200.

Allele frequency attached by ClinVar (database versions not stated): gnomAD exomes 0.00001.
gnomAD v4.1: 4 of 1,614,056 alleles (0.00025%); highest among the groups gnomAD compares: South Asian, 0.0011%; no homozygotes.

Submissions (2):

MVZ Medizinische Genetik Mainz
Classification: Uncertain significance for Polycystic kidney disease 4. Last evaluated: 2023-05-23. Review status: criteria provided, single submitter. Criteria: UK Practice Guidelines For Variant Classification V4 01 2020. Collection method: clinical testing. Allele origin: germline. Inheritance: Autosomal recessive inheritance. Observed: 1 variant allele.
Comment: ACMG Criteria: PM2_SUP

Genomic Medicine Center of Excellence, King Faisal Specialist Hospital and Research Centre
Classification: Likely pathogenic. Review status: criteria provided, single submitter. Criteria: ACMG Guidelines, 2015. Collection method: research. Allele origin: germline. Affected: yes.

NM_138694.4(PKHD1):c.2978A>G (p.His993Arg)

Gene: PKHD1 (PKHD1 ciliary IPT domain containing fibrocystin/polyductin; minus strand). Cytogenetic location: 6p12.2.
Variant type: single nucleotide variant.
Coding change: c.2978A>G on transcript NM_138694.4 (MANE Select); coding-DNA position 2978, A replaced by G.
Protein change: p.His993Arg; replaces histidine 993 with arginine.
Molecular consequence: missense variant.
Genome position (GRCh38, 1-based): chr6:52,042,978, T>C on the plus strand (A>G on the coding strand, the complement: PKHD1 is on the minus strand). VCF-style: chr6-52042978-T-C. GRCh37 (hg19) VCF-style: chr6-51907776-T-C.
Other names: c.2978A>G, p.His993Arg (NM_170724.3); short protein forms H993R.
Identifiers: ClinVar variation 191212 (VCV000191212.2), dbSNP rs786205582, ClinGen allele CA236264.
Genomic context (GRCh38, chr6:52,042,978, plus strand): 5'-AGGTCTTCTCCAGTGGCACTGATGGCAAGACCAGAGGGTCTCACCAACATCAAGATCCGA[T>C]GCATTCCAACAGGTAGCAAATCTGTCTGACAGACTACATTGGTCTGGTTTGAGAAAATAA-3'
Protein context (NP_619639.3, residues 983-1003): CQTDLLPVGM[His993Arg]RILMLVRPSG